The following is an entry in ClinVar:

NM_003701.4(TNFSF11):c.152C>T (p.Ala51Val)

Genes: TNFSF11 (TNF superfamily member 11; plus strand), LOC130009662 (ATAC-STARR-seq lymphoblastoid silent region 5301; plus strand). Cytogenetic location: 13q14.11.
Variant type: single nucleotide variant.
Coding change: c.152C>T on transcript NM_003701.4 (MANE Select); coding-DNA position 152, C replaced by T.
Protein change: p.Ala51Val; replaces alanine 51 with valine.
Molecular consequence: missense variant. On other transcripts: intron variant (1).
Genome position (GRCh38, 1-based): chr13:42,574,455, C>T. VCF-style: chr13-42574455-C-T. GRCh37 (hg19) VCF-style: chr13-43148591-C-T.
Other names: c.-1+2717C>T (NM_033012.4); short protein forms A51V.
Identifiers: ClinVar variation 2063425 (VCV002063425.4), dbSNP rs2500694241, ClinGen allele CA388215185.

ClinVar aggregate classification (germline): Uncertain significance (1 of 4 stars; one submission).

Allele frequency attached by ClinVar (database versions not stated): gnomAD exomes below 0.00001.
gnomAD v4.1: 2 of 1,608,472 alleles (0.00012%); highest among the groups gnomAD compares: African/African-American, 0.0013%; no homozygotes.

Submission:

Labcorp Genetics (formerly Invitae), Labcorp
Classification: Uncertain significance. Last evaluated: 2021-12-27. Review status: criteria provided, single submitter. Criteria: Invitae Variant Classification Sherloc (09022015). Collection method: clinical testing. Allele origin: germline.
Comment: This sequence change replaces alanine, which is neutral and non-polar, with valine, which is neutral and non-polar, at codon 51 of the TNFSF11 protein (p.Ala51Val). This variant is not present in population databases (gnomAD no frequency). This variant has not been reported in the literature in individuals affected with TNFSF11-related conditions. Algorithms developed to predict the effect of missense changes on protein structure and function are either unavailable or do not agree on the potential impact of this missense change (SIFT: "Tolerated"; PolyPhen-2: "Possibly Damaging"; Align-GVGD: "Class C0"). In summary, the available evidence is currently insufficient to determine the role of this variant in disease. Therefore, it has been classified as a Variant of Uncertain Significance.